The following is an entry in ClinVar:

ClinVar aggregate classification (germline): Pathogenic (1 of 4 stars; one submission).

Conditions:
Recessive dystrophic epidermolysis bullosa (RDEB). Also called: DYSTROPHIC EPIDERMOLYSIS BULLOSA, AUTOSOMAL RECESSIVE; EPIDERMOLYSIS BULLOSA DYSTROPHICA, HALLOPEAU-SIEMENS TYPE; Hallopeau-Siemens Disease; severe generalized recessive dystrophic epidermolysis bullosa; EPIDERMOLYSIS BULLOSA DYSTROPHICA, GENERALIZED SEVERE, AUTOSOMAL RECESSIVE; Epidermolysis Bullosa Distrophica Autosomal Recessive (RDEB). Identifiers: Orphanet 79408, Orphanet 79409, MedGen C0079474, MONDO:0009179, OMIM 226600.

Submission:

Myriad Genetics, Inc.
Classification: Pathogenic for Recessive dystrophic epidermolysis bullosa. Last evaluated: 2025-02-22. Review status: criteria provided, single submitter. Criteria: Myriad Autosomal Dominant, Autosomal Recessive and X-Linked Classification Criteria (2023). Collection method: clinical testing. Allele origin: unknown.
Comment: NM_000094.3(COL7A1):c.6589_6600del12ins1(A2197Wfs*89) is expected to be pathogenic in the context of dystrophic epidermolysis bullosa. This variant is predicted to lead to an abnormal or absent protein product due to the creation of a premature termination codon in COL7A1, a gene where loss-of-function variants are known to be pathogenic. Please note: this variant was assessed in the context of healthy population screening.

NM_000094.4(COL7A1):c.6589_6600delinsT (p.Ala2197fs)

Gene: COL7A1 (collagen type VII alpha 1 chain; minus strand). Cytogenetic location: 3p21.31.
Variant type: Indel.
Coding change: c.6589_6600delinsT on transcript NM_000094.4 (MANE Select); coding-DNA positions 6589 to 6600, GCAGGACCCCAA replaced by T.
Protein change: p.Ala2197fs; shifts the reading frame from alanine 2197.
Molecular consequence: frameshift variant.
Genome position (GRCh38, 1-based): chr3:48,573,531-48,573,542, TTGGGGTCCTGC replaced by A on the plus strand (GCAGGACCCCAA replaced by T on the coding strand, the reverse complement: COL7A1 is on the minus strand). VCF-style: chr3-48573531-TTGGGGTCCTGC-A. GRCh37 (hg19) VCF-style: chr3-48610964-TTGGGGTCCTGC-A.
Other names: short protein forms A2197fs.
Identifiers: ClinVar variation 5014124 (VCV005014124.1).
Genomic context (GRCh38, chr3:48,573,531, plus strand): 5'-CTTGAAGGAGCCTCCTCCTCCTATCCACACACCTAGACTCACCTTCAGGCCAGAAGGTCC[TTGGGGTCCTGC>A]AGGGCCAGCAAGACCCTAGAGAAAAGGGTCAAGGGCAGGGAACAGGGCTCAGGGATTAAC-3'